The following is an entry in ClinVar:

ClinVar aggregate classification (germline): Likely benign. Review status: criteria provided, multiple submitters, no conflicts (2 of 4 stars). 4 submissions from 4 submitters: Likely benign (3). 1 of the submissions does not count toward it. Last evaluated 2026-02-02.

Conditions:
FOXE3-related disorder. Also called: FOXE3-related condition.
Cardiovascular phenotype. Identifiers: MedGen CN230736.
Anterior segment dysgenesis. Also called: Ocular anterior segment dysgenesis. Identifiers: Orphanet 88632, MedGen C1862839, MONDO:0019503, HP:0007700.
Congenital primary aphakia. Also called: Anterior segment dysgenesis 2, multiple subtypes; ANTERIOR SEGMENT DYSGENESIS 2. Identifiers: Orphanet 83461, MedGen C1853230, MONDO:0012456, OMIM 610256.

Allele frequency attached by ClinVar (database versions not stated): gnomAD 0.00006 and 0.00007; TOPMed 0.00007; gnomAD exomes 0.00020.

Submissions (4):

Labcorp Genetics (formerly Invitae), Labcorp
Classification: Likely benign for Anterior segment dysgenesis; Congenital primary aphakia. Last evaluated: 2026-02-02. Review status: criteria provided, single submitter. Criteria: Invitae Variant Classification Sherloc (09022015). Collection method: clinical testing. Allele origin: germline.

Blueprint Genetics
Classification: Likely benign. Last evaluated: 2024-08-29. Review status: criteria provided, single submitter. Criteria: ACMG Guidelines, 2015. Collection method: clinical testing. Allele origin: germline.

Ambry Genetics
Classification: Likely benign for Cardiovascular phenotype. Last evaluated: 2020-04-13. Review status: criteria provided, single submitter. Criteria: Ambry Variant Classification Scheme 2023. Collection method: clinical testing. Allele origin: germline.

PreventionGenetics, part of Exact Sciences
Classification: Likely benign for FOXE3-related condition. Last evaluated: 2021-03-09. Review status: no assertion criteria provided. Collection method: clinical testing. Allele origin: germline. Not counted in ClinVar's aggregate classification.
Comment: This variant is classified as likely benign based on ACMG/AMP sequence variant interpretation guidelines (Richards et al. 2015 PMID: 25741868, with internal and published modifications).

NM_012186.3(FOXE3):c.882C>G (p.Ala294=)

Genes: FOXE3 (forkhead box E3; plus strand), LINC01389 (long independently transcribed non-coding RNA 1389; minus strand). Cytogenetic location: 1p33.
Variant type: single nucleotide variant.
Coding change: c.882C>G on transcript NM_012186.3 (MANE Select); coding-DNA position 882, C replaced by G.
Protein change: p.Ala294=; no amino-acid change (alanine 294 retained).
Molecular consequence: synonymous variant.
Genome position (GRCh38, 1-based): chr1:47,417,197, C>G. VCF-style: chr1-47417197-C-G. GRCh37 (hg19) VCF-style: chr1-47882869-C-G.
Identifiers: ClinVar variation 1089413 (VCV001089413.14), dbSNP rs946810051, ClinGen allele CA22069426.